The following is an entry in ClinVar:

NM_006341.4(MAD2L2):c.479T>C (p.Met160Thr)

Gene: MAD2L2 (mitotic arrest deficient 2 like 2; minus strand). Cytogenetic location: 1p36.22.
Variant type: single nucleotide variant.
Coding change: c.479T>C on transcript NM_006341.4 (MANE Select); coding-DNA position 479, T replaced by C.
Protein change: p.Met160Thr; replaces methionine 160 with threonine.
Molecular consequence: missense variant.
Genome position (GRCh38, 1-based): chr1:11,675,680, A>G on the plus strand (T>C on the coding strand, the complement: MAD2L2 is on the minus strand). VCF-style: chr1-11675680-A-G. GRCh37 (hg19) VCF-style: chr1-11735737-A-G.
Other names: c.479T>C, p.Met160Thr (NM_001127325.2); short protein forms M160T.
Identifiers: ClinVar variation 2113208 (VCV002113208.4), dbSNP rs2521911653, ClinGen allele CA338416118.

ClinVar aggregate classification (germline): Uncertain significance (1 of 4 stars; one submission).

Submission:

Labcorp Genetics (formerly Invitae), Labcorp
Classification: Uncertain significance. Last evaluated: 2022-09-29. Review status: criteria provided, single submitter. Criteria: Invitae Variant Classification Sherloc (09022015). Collection method: clinical testing. Allele origin: germline.
Comment: In summary, the available evidence is currently insufficient to determine the role of this variant in disease. Therefore, it has been classified as a Variant of Uncertain Significance. Algorithms developed to predict the effect of missense changes on protein structure and function are either unavailable or do not agree on the potential impact of this missense change (SIFT: "Deleterious"; PolyPhen-2: "Benign"; Align-GVGD: "Class C25"). This variant has not been reported in the literature in individuals affected with MAD2L2-related conditions. This variant is not present in population databases (gnomAD no frequency). This sequence change replaces methionine, which is neutral and non-polar, with threonine, which is neutral and polar, at codon 160 of the MAD2L2 protein (p.Met160Thr).